The following is an entry in ClinVar:

NM_005006.7(NDUFS1):c.71C>T (p.Thr24Ile)

Gene: NDUFS1 (NADH:ubiquinone oxidoreductase core subunit S1; minus strand). Cytogenetic location: 2q33.3.
Variant type: single nucleotide variant.
Coding change: c.71C>T on transcript NM_005006.7 (MANE Select); coding-DNA position 71, C replaced by T.
Protein change: p.Thr24Ile; replaces threonine 24 with isoleucine.
Molecular consequence: missense variant. On other transcripts: intron variant (2).
Genome position (GRCh38, 1-based): chr2:206,152,501, G>A on the plus strand (C>T on the coding strand, the complement: NDUFS1 is on the minus strand). VCF-style: chr2-206152501-G-A. GRCh37 (hg19) VCF-style: chr2-207017225-G-A.
Other names: c.71C>T, p.Thr24Ile (NM_001199981.2); c.113C>T, p.Thr38Ile (NM_001199984.2); c.5+1117C>T (NM_001199982.2); c.-19+1117C>T (NM_001199983.2); short protein forms T24I, T38I.
Identifiers: ClinVar variation 1438610 (VCV001438610.6), dbSNP rs764371466, ClinGen allele CA2070907.

ClinVar aggregate classification (germline): Uncertain significance (1 of 4 stars; one submission).

Allele frequency attached by ClinVar (database versions not stated): gnomAD 0.00001; ExAC 0.00002; gnomAD exomes 0.00002 and 0.00004; TOPMed 0.00003.
gnomAD v4.1: 14 of 1,613,886 alleles (0.00087%); highest among the groups gnomAD compares: Admixed American, 0.018%; no homozygotes.

Submission:

Labcorp Genetics (formerly Invitae), Labcorp
Classification: Uncertain significance. Last evaluated: 2025-03-03. Review status: criteria provided, single submitter. Criteria: Invitae Variant Classification Sherloc (09022015). Collection method: clinical testing. Allele origin: germline.
Comment: This sequence change replaces threonine, which is neutral and polar, with isoleucine, which is neutral and non-polar, at codon 24 of the NDUFS1 protein (p.Thr24Ile). This variant is present in population databases (rs764371466, gnomAD 0.03%). This variant has not been reported in the literature in individuals affected with NDUFS1-related conditions. ClinVar contains an entry for this variant (Variation ID: 1438610). Invitae Evidence Modeling of protein sequence and biophysical properties (such as structural, functional, and spatial information, amino acid conservation, physicochemical variation, residue mobility, and thermodynamic stability) indicates that this missense variant is not expected to disrupt NDUFS1 protein function with a negative predictive value of 95%. In summary, the available evidence is currently insufficient to determine the role of this variant in disease. Therefore, it has been classified as a Variant of Uncertain Significance.